The following is an entry in ClinVar:

NM_016929.5(CLIC5):c.608G>A (p.Arg203His)

Gene: CLIC5 (chloride intracellular channel 5; minus strand). Cytogenetic location: 6p21.1.
Variant type: single nucleotide variant.
Coding change: c.608G>A on transcript NM_016929.5 (MANE Select); coding-DNA position 608, G replaced by A.
Protein change: p.Arg203His; replaces arginine 203 with histidine.
Molecular consequence: missense variant. On other transcripts: non-coding transcript variant (2).
Genome position (GRCh38, 1-based): chr6:45,903,236, C>T on the plus strand (G>A on the coding strand, the complement: CLIC5 is on the minus strand). VCF-style: chr6-45903236-C-T. GRCh37 (hg19) VCF-style: chr6-45870973-C-T.
Other names: c.1085G>A, p.Arg362His (NM_001114086.2, NM_001370650.1); c.491G>A, p.Arg164His (NM_001370649.1); c.1085G>A (NM_001114086.1); short protein forms R203H, R164H, R362H.
Identifiers: ClinVar variation 1388139 (VCV001388139.10), dbSNP rs764896698, ClinGen allele CA3836708.
Genomic context (GRCh38, chr6:45,903,236, plus strand): 5'-GCATAGGCGTTCTTGAGGTACCGCCACAGGCCTGTCATCTCAGCCGGGATATCATAGTTG[C>T]GGTATTTCTTGGCCACAATCTAAAACAGAGATGGCAGGACAGAGGTGGTGTGAAGGCATG-3'
Protein context (NP_058625.2, residues 193-213): HVVKIVAKKY[Arg203His]NYDIPAEMTG

ClinVar aggregate classification (germline): Uncertain significance. Review status: criteria provided, multiple submitters, no conflicts (2 of 4 stars). 2 submissions from 2 submitters: Uncertain significance (2). Last evaluated 2025-05-20.

Allele frequency attached by ClinVar (database versions not stated): gnomAD 0.00001; TOPMed 0.00001; ExAC 0.00002; gnomAD exomes 0.00002.
gnomAD v4.1: 21 of 1,598,166 alleles (0.0013%); highest among the groups gnomAD compares: South Asian, 0.0079%; no homozygotes.

Submissions (2):

Ambry Genetics
Classification: Uncertain significance. Last evaluated: 2025-05-20. Review status: criteria provided, single submitter. Criteria: Ambry Variant Classification Scheme 2023. Collection method: clinical testing. Allele origin: germline.

Labcorp Genetics (formerly Invitae), Labcorp
Classification: Uncertain significance. Last evaluated: 2021-04-16. Review status: criteria provided, single submitter. Criteria: Invitae Variant Classification Sherloc (09022015). Collection method: clinical testing. Allele origin: germline.
Comment: In summary, the available evidence is currently insufficient to determine the role of this variant in disease. Therefore, it has been classified as a Variant of Uncertain Significance. Algorithms developed to predict the effect of missense changes on protein structure and function (SIFT, PolyPhen-2, Align-GVGD) all suggest that this variant is likely to be tolerated, but these predictions have not been confirmed by published functional studies and their clinical significance is uncertain. This variant has not been reported in the literature in individuals with CLIC5-related conditions. This variant is present in population databases (rs764896698, ExAC 0.01%). This sequence change replaces arginine with histidine at codon 362 of the CLIC5 protein (p.Arg362His). The arginine residue is highly conserved and there is a small physicochemical difference between arginine and histidine.